The following is an entry in ClinVar:

ClinVar aggregate classification (germline): Uncertain significance (1 of 4 stars; one submission).

Conditions:
Spermatogenic failure 18. Identifiers: MedGen C4539783, MONDO:0054615, OMIM 617576.
Ciliary dyskinesia, primary, 37 (CILD37). Also called: CILIARY DYSKINESIA, PRIMARY, 37, WITH OR WITHOUT SITUS INVERSUS. Identifiers: MedGen C4539798, MONDO:0033204, OMIM 617577.

Allele frequency attached by ClinVar (database versions not stated): gnomAD exomes below 0.00001; gnomAD 0.00001; TOPMed 0.00001.
gnomAD v4.1: 4 of 1,609,074 alleles (0.00025%); highest among the groups gnomAD compares: African/African-American, 0.004%; no homozygotes.

Submission:

Labcorp Genetics (formerly Invitae), Labcorp
Classification: Uncertain significance for Ciliary dyskinesia, primary, 37; Spermatogenic failure 18. Last evaluated: 2025-01-13. Review status: criteria provided, single submitter. Criteria: Invitae Variant Classification Sherloc (09022015). Collection method: clinical testing. Allele origin: germline.
Comment: This sequence change replaces alanine, which is neutral and non-polar, with threonine, which is neutral and polar, at codon 4152 of the DNAH1 protein (p.Ala4152Thr). This variant is not present in population databases (gnomAD no frequency). This variant has not been reported in the literature in individuals affected with DNAH1-related conditions. ClinVar contains an entry for this variant (Variation ID: 2156810). Invitae Evidence Modeling of protein sequence and biophysical properties (such as structural, functional, and spatial information, amino acid conservation, physicochemical variation, residue mobility, and thermodynamic stability) indicates that this missense variant is not expected to disrupt DNAH1 protein function with a negative predictive value of 80%. In summary, the available evidence is currently insufficient to determine the role of this variant in disease. Therefore, it has been classified as a Variant of Uncertain Significance.

NM_015512.5(DNAH1):c.12454G>A (p.Ala4152Thr)

Gene: DNAH1 (dynein axonemal heavy chain 1; plus strand). Cytogenetic location: 3p21.1.
Variant type: single nucleotide variant.
Coding change: c.12454G>A on transcript NM_015512.5 (MANE Select); coding-DNA position 12454, G replaced by A.
Protein change: p.Ala4152Thr; replaces alanine 4152 with threonine.
Molecular consequence: missense variant.
Genome position (GRCh38, 1-based): chr3:52,399,557, G>A. VCF-style: chr3-52399557-G-A. GRCh37 (hg19) VCF-style: chr3-52433573-G-A.
Other names: short protein forms A4152T.
Identifiers: ClinVar variation 2156810 (VCV002156810.4), dbSNP rs1203456262, ClinGen allele CA353087107.